The following is an entry in ClinVar:

NM_004204.5(PIGQ):c.40_41inv (p.Thr14Val)

Gene: PIGQ (phosphatidylinositol glycan anchor biosynthesis class Q; plus strand). Cytogenetic location: 16p13.3.
Variant type: Inversion.
Coding change: c.40_41inv on transcript NM_004204.5 (MANE Select).
Protein change: p.Thr14Val; replaces threonine 14 with valine.
Molecular consequence: missense variant.
Genome position: GRCh38 VCF-style: chr16-574114-AC-GT. GRCh37 (hg19) VCF-style: chr16-624114-AC-GT.
Other names: c.40_41inv, p.Thr14Val (NM_148920.4); short protein forms T14V.
Identifiers: ClinVar variation 2176106 (VCV002176106.1), ClinGen allele CA2580090895.

ClinVar aggregate classification (germline): Uncertain significance (1 of 4 stars; one submission).

Conditions:
Epilepsy. Also called: Seizure disorder. Identifiers: MedGen C0014544, MeSH D004827, MONDO:0005027.

Submission:

Labcorp Genetics (formerly Invitae), Labcorp
Classification: Uncertain significance for Epilepsy. Last evaluated: 2022-03-11. Review status: criteria provided, single submitter. Criteria: Invitae Variant Classification Sherloc (09022015). Collection method: clinical testing. Allele origin: germline.
Comment: This sequence change replaces threonine, which is neutral and polar, with valine, which is neutral and non-polar, at codon 14 of the PIGQ protein (p.Thr14Val). This variant is present in population databases (no rsID available, gnomAD 0.04%). This variant has not been reported in the literature in individuals affected with PIGQ-related conditions. Algorithms developed to predict the effect of missense changes on protein structure and function are either unavailable or do not agree on the potential impact of this missense change (SIFT: "Not Available"; PolyPhen-2: "Benign"; Align-GVGD: "Not Available"). In summary, the available evidence is currently insufficient to determine the role of this variant in disease. Therefore, it has been classified as a Variant of Uncertain Significance.